The following is an entry in ClinVar:

NM_004448.4(ERBB2):c.2494-3C>T

Gene: ERBB2 (erb-b2 receptor tyrosine kinase 2; plus strand). Cytogenetic location: 17q12.
Variant type: single nucleotide variant.
Coding change: c.2494-3C>T on transcript NM_004448.4 (MANE Select); 3 bases into the intron before coding-DNA position 2494, C replaced by T.
Molecular consequence: intron variant.
Genome position (GRCh38, 1-based): chr17:39,725,046, C>T. VCF-style: chr17-39725046-C-T. GRCh37 (hg19) VCF-style: chr17-37881299-C-T.
Other names: c.2404-3C>T (NM_001382782.1, NM_001005862.3, NM_001382783.1); c.2449-3C>T (NM_001289936.2); c.2569-3C>T (NM_001382787.1); c.2611-3C>T (NM_001382784.1); c.2575-3C>T (NM_001382786.1); c.2515-3C>T (NM_001382789.1); c.2524-3C>T (NM_001382788.1); c.2596-3C>T (NM_001382785.1); and 15 more.
Identifiers: ClinVar variation 132944 (VCV000132944.6), dbSNP rs104886007, ClinGen allele CA269844.

ClinVar aggregate classification (germline): Uncertain significance. Review status: criteria provided, single submitter (1 of 4 stars). 2 submissions from 2 submitters: Uncertain significance (1). 1 of the submissions does not count toward it. Last evaluated 2022-10-14.

Conditions:
Familial cancer of breast. Also called: BREAST CANCER, FAMILIAL; hereditary breast carcinoma; Hereditary breast cancer. Identifiers: Orphanet 227535, MedGen C0346153, MONDO:0016419, OMIM 114480. Disease mechanism: loss of function.

Allele frequency attached by ClinVar (database versions not stated): TOPMed below 0.00001.

Submissions (2):

Labcorp Genetics (formerly Invitae), Labcorp
Classification: Uncertain significance. Last evaluated: 2022-10-14. Review status: criteria provided, single submitter. Criteria: Invitae Variant Classification Sherloc (09022015). Collection method: clinical testing. Allele origin: germline.
Comment: In summary, the available evidence is currently insufficient to determine the role of this variant in disease. Therefore, it has been classified as a Variant of Uncertain Significance. Variants that disrupt the consensus splice site are a relatively common cause of aberrant splicing (PMID: 17576681, 9536098). Algorithms developed to predict the effect of sequence changes on RNA splicing suggest that this variant is not likely to affect RNA splicing. ClinVar contains an entry for this variant (Variation ID: 132944). This variant has not been reported in the literature in individuals affected with ERBB2-related conditions. This variant is not present in population databases (gnomAD no frequency). This sequence change falls in intron 20 of the ERBB2 gene. It does not directly change the encoded amino acid sequence of the ERBB2 protein. It affects a nucleotide within the consensus splice site.

Laboratory of Translational Genomics,  National Cancer Institute
No classification provided. Condition: Familial cancer of breast. Review status: no classification provided. Collection method: not provided. Allele origin: somatic. Not counted in ClinVar's aggregate classification.
Comment: Breast Cancer specimen

Literature cited by the submitters: PubMed 17576681 (cited by Labcorp Genetics (formerly Invitae), Labcorp); PubMed 9536098 (cited by Labcorp Genetics (formerly Invitae), Labcorp).